The following is an entry in ClinVar:

NM_006254.4(PRKCD):c.1637C>A (p.Ser546Tyr)

Gene: PRKCD (protein kinase C delta; plus strand). Cytogenetic location: 3p21.1.
Variant type: single nucleotide variant.
Coding change: c.1637C>A on transcript NM_006254.4 (MANE Select); coding-DNA position 1637, C replaced by A.
Protein change: p.Ser546Tyr; replaces serine 546 with tyrosine.
Molecular consequence: missense variant.
Genome position (GRCh38, 1-based): chr3:53,189,140, C>A. VCF-style: chr3-53189140-C-A. GRCh37 (hg19) VCF-style: chr3-53223156-C-A.
Other names: c.1637C>A, p.Ser546Tyr (NM_001316327.2, NM_001354679.2, NM_001354680.2 and 1 more transcripts); c.1694C>A, p.Ser565Tyr (NM_001354676.2); c.1685C>A, p.Ser562Tyr (NM_001354678.2); short protein forms S565Y, S562Y, S546Y.
Identifiers: ClinVar variation 2006203 (VCV002006203.4), dbSNP rs1703824527, ClinGen allele CA353223830.

ClinVar aggregate classification (germline): Uncertain significance (1 of 4 stars; one submission).

Conditions:
Autoimmune lymphoproliferative syndrome, type III caused by mutation in PRKCD. Identifiers: Orphanet 3261, Orphanet 664711, MedGen C3809928, MONDO:8000024, OMIM 615559.

Submission:

Labcorp Genetics (formerly Invitae), Labcorp
Classification: Uncertain significance for Autoimmune lymphoproliferative syndrome, type III caused by mutation in PRKCD. Last evaluated: 2022-04-18. Review status: criteria provided, single submitter. Criteria: Invitae Variant Classification Sherloc (09022015). Collection method: clinical testing. Allele origin: germline.
Comment: This variant is not present in population databases (gnomAD no frequency). In summary, the available evidence is currently insufficient to determine the role of this variant in disease. Therefore, it has been classified as a Variant of Uncertain Significance. Algorithms developed to predict the effect of missense changes on protein structure and function are either unavailable or do not agree on the potential impact of this missense change (SIFT: "Deleterious"; PolyPhen-2: "Probably Damaging"; Align-GVGD: "Class C15"). This variant has not been reported in the literature in individuals affected with PRKCD-related conditions. This sequence change replaces serine, which is neutral and polar, with tyrosine, which is neutral and polar, at codon 546 of the PRKCD protein (p.Ser546Tyr).